The following is an entry in ClinVar:

ClinVar aggregate classification (germline): Benign. Review status: criteria provided, multiple submitters, no conflicts (2 of 4 stars). 3 submissions from 3 submitters: Benign (3). Last evaluated 2026-09-01.

Allele frequency attached by ClinVar (database versions not stated): 1000 Genomes Project 0.00479; 1000 Genomes Project 30x 0.00515; TOPMed 0.00857; ESP Exome Variant Server 0.01161; gnomAD 0.01175 and 0.01192; ExAC 0.01324.
gnomAD v4.1: 22,511 of 1,614,158 alleles (1.4%); highest among the groups gnomAD compares: Non-Finnish European, 1.5%; 225 homozygotes.

Submissions (3):

CeGaT Center for Human Genetics Tuebingen
Classification: Benign. Last evaluated: 2026-09-01. Review status: criteria provided, single submitter. Criteria: CeGaT Center For Human Genetics Tuebingen Variant Classification Criteria Version 2. Collection method: clinical testing. Allele origin: germline. Affected: yes. Observed: 17 variant alleles.
Comment: CHD4: BP4, BP7, BS1, BS2

Labcorp Genetics (formerly Invitae), Labcorp
Classification: Benign. Last evaluated: 2026-02-04. Review status: criteria provided, single submitter. Criteria: Invitae Variant Classification Sherloc (09022015). Collection method: clinical testing. Allele origin: germline.

Breakthrough Genomics
Classification: Benign. Review status: criteria provided, single submitter. Criteria: ACMG Guidelines, 2015. Collection method: not provided. Allele origin: germline. Inheritance: Autosomal dominant inheritance. Affected: yes.

NM_001273.5(CHD4):c.1848G>A (p.Gly616=)

Gene: CHD4 (chromodomain helicase DNA binding protein 4; minus strand). Cytogenetic location: 12p13.31.
Variant type: single nucleotide variant.
Coding change: c.1848G>A on transcript NM_001273.5 (MANE Select); coding-DNA position 1848, G replaced by A.
Protein change: p.Gly616=; no amino-acid change (glycine 616 retained).
Molecular consequence: synonymous variant.
Genome position (GRCh38, 1-based): chr12:6,597,938, C>T on the plus strand (G>A on the coding strand, the complement: CHD4 is on the minus strand). VCF-style: chr12-6597938-C-T. GRCh37 (hg19) VCF-style: chr12-6707104-C-T.
Other names: c.1827G>A, p.Gly609= (NM_001297553.2); c.1809G>A, p.Gly603= (NM_001363606.2).
Identifiers: ClinVar variation 1601497 (VCV001601497.24), dbSNP rs61753200, ClinGen allele CA6412146.